The following is an entry in ClinVar:

NM_001371928.1(AHDC1):c.3575G>T (p.Ser1192Ile)

Gene: AHDC1 (AT-hook DNA binding motif containing 1; minus strand). Cytogenetic location: 1p36.11.
Variant type: single nucleotide variant.
Coding change: c.3575G>T on transcript NM_001371928.1 (MANE Select); coding-DNA position 3575, G replaced by T.
Protein change: p.Ser1192Ile; replaces serine 1192 with isoleucine.
Molecular consequence: missense variant.
Genome position (GRCh38, 1-based): chr1:27,548,541, C>A on the plus strand (G>T on the coding strand, the complement: AHDC1 is on the minus strand). VCF-style: chr1-27548541-C-A. GRCh37 (hg19) VCF-style: chr1-27875052-C-A.
Other names: c.3575G>T, p.Ser1192Ile (NM_001029882.3); short protein forms S1192I.
Identifiers: ClinVar variation 3724460 (VCV003724460.2).

ClinVar aggregate classification (germline): Uncertain significance (1 of 4 stars; one submission).

Submission:

Labcorp Genetics (formerly Invitae), Labcorp
Classification: Uncertain significance. Last evaluated: 2024-11-04. Review status: criteria provided, single submitter. Criteria: Invitae Variant Classification Sherloc (09022015). Collection method: clinical testing. Allele origin: germline.
Comment: This sequence change replaces serine, which is neutral and polar, with isoleucine, which is neutral and non-polar, at codon 1192 of the AHDC1 protein (p.Ser1192Ile). This variant is not present in population databases (gnomAD no frequency). This variant has not been reported in the literature in individuals affected with AHDC1-related conditions. An algorithm developed to predict the effect of missense changes on protein structure and function (PolyPhen-2) suggests that this variant is likely to be disruptive. In summary, the available evidence is currently insufficient to determine the role of this variant in disease. Therefore, it has been classified as a Variant of Uncertain Significance.